The following is an entry in ClinVar:

NM_000051.4(ATM):c.2794del (p.Asp932fs)

Gene: ATM (ATM serine/threonine kinase; plus strand). Cytogenetic location: 11q22.3.
Variant type: Deletion.
Coding change: c.2794del on transcript NM_000051.4 (MANE Select); coding-DNA position 2794, one base deleted (G; older notation c.2794delG).
Protein change: p.Asp932fs; shifts the reading frame from aspartic acid 932.
Molecular consequence: frameshift variant.
Genome position (GRCh38, 1-based): chr11:108,268,565, G deleted. VCF-style (leftmost placement, unchanged base first): chr11-108268564-TG-T. GRCh37 (hg19) VCF-style: chr11-108139291-TG-T.
Other names: c.2794del, p.Asp932fs (NM_001351834.2); short protein forms D932fs.
Identifiers: ClinVar variation 3148570 (VCV003148570.1), dbSNP rs2497637840, ClinGen allele CA2825001813.

ClinVar aggregate classification (germline): Pathogenic (1 of 4 stars; one submission).

Conditions:
Familial cancer of breast. Also called: BREAST CANCER, FAMILIAL; Hereditary breast cancer; hereditary breast carcinoma. Identifiers: Orphanet 227535, MedGen C0346153, MONDO:0016419, OMIM 114480. Disease mechanism: loss of function.

Submission:

Myriad Genetics, Inc.
Classification: Pathogenic for Familial cancer of breast. Last evaluated: 2024-01-18. Review status: criteria provided, single submitter. Criteria: Myriad Autosomal Dominant, Autosomal Recessive and X-Linked Classification Criteria (2023). Collection method: clinical testing. Allele origin: unknown.
Comment: This variant is considered pathogenic. This variant creates a frameshift predicted to result in premature protein truncation.